The following is an entry in ClinVar:

ClinVar aggregate classification (germline): Uncertain significance (1 of 4 stars; one submission).

Conditions:
PLXNA2-related disorder. Also called: PLXNA2-related condition.

gnomAD v4.1: 5 of 1,614,052 alleles (0.00031%); highest among the groups gnomAD compares: Middle Eastern, 0.016%; no homozygotes.

Submission:

PreventionGenetics, part of Exact Sciences
Classification: Uncertain significance for PLXNA2-related condition. Last evaluated: 2026-09-01. Review status: criteria provided, single submitter. Criteria: ACMG Guidelines, 2015. Collection method: clinical testing. Allele origin: germline.
Comment: The PLXNA2 c.181G>A variant is predicted to result in the amino acid substitution p.Ala61Thr. To our knowledge, this variant has not been reported in the literature. This variant is reported in 0.0062% of alleles in individuals of African descent in gnomAD. At this time, the clinical significance of this variant is uncertain due to the absence of conclusive functional and genetic evidence.

NM_025179.4(PLXNA2):c.181G>A (p.Ala61Thr)

Gene: PLXNA2 (plexin A2; minus strand). Cytogenetic location: 1q32.2.
Variant type: single nucleotide variant.
Coding change: c.181G>A on transcript NM_025179.4 (MANE Select); coding-DNA position 181, G replaced by A.
Protein change: p.Ala61Thr; replaces alanine 61 with threonine.
Molecular consequence: missense variant.
Genome position (GRCh38, 1-based): chr1:208,217,742, C>T on the plus strand (G>A on the coding strand, the complement: PLXNA2 is on the minus strand). VCF-style: chr1-208217742-C-T. GRCh37 (hg19) VCF-style: chr1-208391087-C-T.
Other names: short protein forms A61T.
Identifiers: ClinVar variation 4980785 (VCV004980785.1).